The following is an entry in ClinVar:

ClinVar aggregate classification (germline): Likely pathogenic (1 of 4 stars; one submission).

Conditions:
Desbuquois dysplasia 2 (DBQD2). Also called: Baratela-Scott syndrome. Identifiers: Orphanet 1425, MedGen C4014294, MONDO:0014343, OMIM 615777.

Submission:

Dubai Health Genomic Medicine Center, Dubai Health
Classification: Likely pathogenic for Desbuquois dysplasia 2. Last evaluated: 2024-10-04. Review status: criteria provided, single submitter. Criteria: ACMG Guidelines, 2015. Collection method: research. Allele origin: germline. Affected: yes.
Comment: PVS1,PM2,PP1

NM_022166.4(XYLT1):c.2169dup (p.Val724fs)

Gene: XYLT1 (xylosyltransferase 1; minus strand). Cytogenetic location: 16p12.3.
Variant type: Duplication.
Coding change: c.2169dup on transcript NM_022166.4 (MANE Select); coding-DNA position 2169, one base duplicated (A; older notation c.2169dupA).
Protein change: p.Val724fs; shifts the reading frame from valine 724.
Molecular consequence: frameshift variant.
Genome position (GRCh38, 1-based): chr16:17,127,720, T duplicated on the plus strand (A on the coding strand, the reverse complement: XYLT1 is on the minus strand); the first of 6 consecutive T bases (chr16:17,127,720-17,127,725); duplicating any one gives the same sequence. VCF-style (leftmost placement, unchanged base first): chr16-17127719-C-CT. GRCh37 (hg19) VCF-style: chr16-17221576-C-CT.
Other names: short protein forms V724fs.
Identifiers: ClinVar variation 3384002 (VCV003384002.1).